The following is an entry in ClinVar:

NM_001918.5(DBT):c.214A>G (p.Ile72Val)

Gene: DBT (dihydrolipoamide branched chain transacylase E2; minus strand). Cytogenetic location: 1p21.2.
Variant type: single nucleotide variant.
Coding change: c.214A>G on transcript NM_001918.5 (MANE Select); coding-DNA position 214, A replaced by G.
Protein change: p.Ile72Val; replaces isoleucine 72 with valine.
Molecular consequence: missense variant. On other transcripts: 5 prime UTR variant (2), non-coding transcript variant (4).
Genome position (GRCh38, 1-based): chr1:100,235,473, T>C on the plus strand (A>G on the coding strand, the complement: DBT is on the minus strand). VCF-style: chr1-100235473-T-C. GRCh37 (hg19) VCF-style: chr1-100701029-T-C.
Other names: c.-330A>G (NM_001399969.1, NM_001399972.1); short protein forms I72V.
Identifiers: ClinVar variation 3771534 (VCV003771534.13).

ClinVar aggregate classification (germline): Uncertain significance (1 of 4 stars; one submission).

gnomAD v4.1: 2 of 1,597,048 alleles (0.00013%); highest among the groups gnomAD compares: East Asian, 0.0022%; no homozygotes.

Submission:

CeGaT Center for Human Genetics Tuebingen
Classification: Uncertain significance. Last evaluated: 2025-01-01. Review status: criteria provided, single submitter. Criteria: CeGaT Center For Human Genetics Tuebingen Variant Classification Criteria Version 2. Collection method: clinical testing. Allele origin: germline. Affected: yes. Observed: 1 variant allele.
Comment: DBT: PM2, BP4